The following is an entry in ClinVar:

ClinVar aggregate classification (germline): Uncertain significance. Review status: criteria provided, multiple submitters, no conflicts (2 of 4 stars). 2 submissions from 2 submitters: Uncertain significance (2). Last evaluated 2025-06-05.

gnomAD v4.1: 4 of 1,613,656 alleles (0.00025%); highest among the groups gnomAD compares: Non-Finnish European, 0.00034%; no homozygotes.

Submissions (2):

GeneDx
Classification: Uncertain significance. Last evaluated: 2025-06-05. Review status: criteria provided, single submitter. Criteria: GeneDx Variant Classification Process June 2021. Collection method: clinical testing. Allele origin: germline. Affected: yes.
Comment: In silico analysis supports that this missense variant has a deleterious effect on protein structure/function; Has not been previously published as pathogenic or benign to our knowledge

Labcorp Genetics (formerly Invitae), Labcorp
Classification: Uncertain significance. Last evaluated: 2024-10-14. Review status: criteria provided, single submitter. Criteria: Invitae Variant Classification Sherloc (09022015). Collection method: clinical testing. Allele origin: germline.
Comment: This sequence change replaces arginine, which is basic and polar, with cysteine, which is neutral and slightly polar, at codon 1794 of the HIVEP2 protein (p.Arg1794Cys). This variant is present in population databases (rs762868060, gnomAD 0.0009%). This variant has not been reported in the literature in individuals affected with HIVEP2-related conditions. Invitae Evidence Modeling of protein sequence and biophysical properties (such as structural, functional, and spatial information, amino acid conservation, physicochemical variation, residue mobility, and thermodynamic stability) indicates that this missense variant is expected to disrupt HIVEP2 protein function with a positive predictive value of 80%. In summary, the available evidence is currently insufficient to determine the role of this variant in disease. Therefore, it has been classified as a Variant of Uncertain Significance.

NM_006734.4(HIVEP2):c.5380C>T (p.Arg1794Cys)

Gene: HIVEP2 (HIVEP zinc finger 2; minus strand). Cytogenetic location: 6q24.2.
Variant type: single nucleotide variant.
Coding change: c.5380C>T on transcript NM_006734.4 (MANE Select); coding-DNA position 5380, C replaced by T.
Protein change: p.Arg1794Cys; replaces arginine 1794 with cysteine.
Molecular consequence: missense variant.
Genome position (GRCh38, 1-based): chr6:142,764,937, G>A on the plus strand (C>T on the coding strand, the complement: HIVEP2 is on the minus strand). VCF-style: chr6-142764937-G-A. GRCh37 (hg19) VCF-style: chr6-143086074-G-A.
Other names: c.5380C>T (NM_006734.3); short protein forms R1794C.
Identifiers: ClinVar variation 3687125 (VCV003687125.3).